The following is an entry in ClinVar:

ClinVar aggregate classification (germline): Uncertain significance (1 of 4 stars; one submission).

Conditions:
Nephronophthisis 15 (NPHP15). Identifiers: Orphanet 3156, MedGen C3541853, MONDO:0013917, OMIM 614845.

Submission:

Labcorp Genetics (formerly Invitae), Labcorp
Classification: Uncertain significance for Nephronophthisis 15. Last evaluated: 2021-08-31. Review status: criteria provided, single submitter. Criteria: Invitae Variant Classification Sherloc (09022015). Collection method: clinical testing. Allele origin: germline.
Comment: This variant, c.1070_1072dup, results in the insertion of 1 amino acid(s) to the CEP164 protein (p.Glu357dup), but otherwise preserves the integrity of the reading frame. This variant is not present in population databases (ExAC no frequency). This variant has not been reported in the literature in individuals affected with CEP164-related conditions. Experimental studies and prediction algorithms are not available or were not evaluated, and the functional significance of this variant is currently unknown. In summary, the available evidence is currently insufficient to determine the role of this variant in disease. Therefore, it has been classified as a Variant of Uncertain Significance.

NM_014956.5(CEP164):c.1067AGG[3] (p.Glu357dup)

Gene: CEP164 (centrosomal protein 164; plus strand). Cytogenetic location: 11q23.3.
Variant type: Microsatellite.
Coding change: c.1067AGG[3] on transcript NM_014956.5 (MANE Select); three copies in a row of the 3-base unit AGG starting at c.1067; the reference has two copies in a row; one copy, 3 bases duplicated.
Protein change: p.Glu357dup; duplicates glutamic acid 357.
Molecular consequence: inframe insertion.
Genome position (GRCh38, 1-based): chr11:117,371,384-117,371,386, AGG duplicated; duplicating any 3 consecutive bases within chr11:117,371,380-117,371,386 gives the same sequence; the position shown is the placement nearest the transcript's 3' end. VCF-style (leftmost placement, unchanged base first): chr11-117371379-A-AGAG. GRCh37 (hg19) VCF-style: chr11-117242095-A-AGAG.
Other names: c.1067AGG[3], p.Glu357dup (NM_001271933.2).
Identifiers: ClinVar variation 1040550 (VCV001040550.6), dbSNP rs2042177715, ClinGen allele CA2003017830.